The following is an entry in ClinVar:

ClinVar aggregate classification (germline): Uncertain significance (1 of 4 stars; one submission).

Conditions:
Inborn genetic diseases. Identifiers: MedGen C0950123, MeSH D030342.

gnomAD v4.1: 2 of 1,614,054 alleles (0.00012%); highest among the groups gnomAD compares: South Asian, 0.0022%; no homozygotes.

Submission:

Ambry Genetics
Classification: Uncertain significance for Inborn genetic diseases. Last evaluated: 2026-07-28. Review status: criteria provided, single submitter. Criteria: Ambry Variant Classification Scheme 2023. Collection method: clinical testing. Allele origin: germline.
Comment: The p.L215V variant (also known as c.643C>G), located in coding exon 7 of the RTEL1 gene, results from a C to G substitution at nucleotide position 643. The leucine at codon 215 is replaced by valine, an amino acid with highly similar properties. This amino acid position is conserved. In addition, this alteration is predicted to be tolerated by in silico analysis. Based on the available evidence, the clinical significance of this variant remains unclear.

NM_001283009.2(RTEL1):c.643C>G (p.Leu215Val)

Genes: RTEL1 (regulator of telomere elongation helicase 1; plus strand), RTEL1-TNFRSF6B (RTEL1-TNFRSF6B readthrough (NMD candidate); plus strand). Cytogenetic location: 20q13.33.
Variant type: single nucleotide variant.
Coding change: c.643C>G on transcript NM_001283009.2 (MANE Select); coding-DNA position 643, C replaced by G.
Protein change: p.Leu215Val; replaces leucine 215 with valine.
Molecular consequence: missense variant. On other transcripts: non-coding transcript variant (1), 5 prime UTR variant (1).
Genome position (GRCh38, 1-based): chr20:63,667,497, C>G. VCF-style: chr20-63667497-C-G. GRCh37 (hg19) VCF-style: chr20-62298850-C-G.
Other names: c.-27C>G (NM_001283010.1); c.643C>G, p.Leu215Val (NM_016434.4); c.715C>G, p.Leu239Val (NM_032957.5); short protein forms L239V, L215V.
Identifiers: ClinVar variation 5028496 (VCV005028496.1).